The following is an entry in ClinVar:

NM_020806.5(GPHN):c.1350A>G (p.Ile450Met)

Gene: GPHN (gephyrin; plus strand). Cytogenetic location: 14q23.3.
Variant type: single nucleotide variant.
Coding change: c.1350A>G on transcript NM_020806.5 (MANE Select); coding-DNA position 1350, A replaced by G.
Protein change: p.Ile450Met; replaces isoleucine 450 with methionine.
Molecular consequence: missense variant.
Genome position (GRCh38, 1-based): chr14:67,110,196, A>G. VCF-style: chr14-67110196-A-G. GRCh37 (hg19) VCF-style: chr14-67576913-A-G.
Other names: c.1251A>G, p.Ile417Met (NM_001024218.2); c.1410A>G, p.Ile470Met (NM_001377514.1); c.1380A>G, p.Ile460Met (NM_001377515.1); c.1371A>G, p.Ile457Met (NM_001377516.1); c.1323A>G, p.Ile441Met (NM_001377517.1); c.1308A>G, p.Ile436Met (NM_001377518.1); c.1290A>G, p.Ile430Met (NM_001377519.1); short protein forms I436M, I460M, I430M, I450M, I417M, I457M, I441M, I470M.
Identifiers: ClinVar variation 1384343 (VCV001384343.6), dbSNP rs906064417, ClinGen allele CA263307549.

ClinVar aggregate classification (germline): Uncertain significance (1 of 4 stars; one submission).

Conditions:
Sulfite oxidase deficiency due to molybdenum cofactor deficiency type C. Also called: Molybdenum cofactor deficiency, complementation group C; Molybdenum cofactor deficiency C. Identifiers: Orphanet 308400, Orphanet 833, MedGen C1854990, MONDO:0014212, OMIM 615501.

Allele frequency attached by ClinVar (database versions not stated): gnomAD 0.00001; TOPMed 0.00001.
gnomAD v4.1: 2 of 1,612,460 alleles (0.00012%); highest among the groups gnomAD compares: African/African-American, 0.0027%; no homozygotes.

Submission:

Labcorp Genetics (formerly Invitae), Labcorp
Classification: Uncertain significance for Sulfite oxidase deficiency due to molybdenum cofactor deficiency type C. Last evaluated: 2022-07-18. Review status: criteria provided, single submitter. Criteria: Invitae Variant Classification Sherloc (09022015). Collection method: clinical testing. Allele origin: germline.
Comment: In summary, the available evidence is currently insufficient to determine the role of this variant in disease. Therefore, it has been classified as a Variant of Uncertain Significance. Algorithms developed to predict the effect of missense changes on protein structure and function are either unavailable or do not agree on the potential impact of this missense change (SIFT: "Deleterious"; PolyPhen-2: "Probably Damaging"; Align-GVGD: "Class C0"). ClinVar contains an entry for this variant (Variation ID: 1384343). This variant has not been reported in the literature in individuals affected with GPHN-related conditions. This variant is present in population databases (no rsID available, gnomAD 0.01%). This sequence change replaces isoleucine, which is neutral and non-polar, with methionine, which is neutral and non-polar, at codon 450 of the GPHN protein (p.Ile450Met).